The following is an entry in ClinVar:

ClinVar aggregate classification (germline): Uncertain significance (0 of 4 stars; one submission).

Submission:

Leiden Open Variation Database
Classification: Uncertain significance. Last evaluated: 2018-10-10. Review status: no assertion criteria provided. Collection method: curation. Allele origin: germline. Affected: yes.
Comment: Curators: Marc Tischkowitz, Arleen D. Auerbach. Submitter to LOVD: Yukihide Momozawa.

Literature cited by the submitters: PubMed 30287823.

NM_024675.4(PALB2):c.2652G>C (p.Glu884Asp)

Gene: PALB2 (partner and localizer of BRCA2; minus strand). Cytogenetic location: 16p12.2.
Variant type: single nucleotide variant.
Coding change: c.2652G>C on transcript NM_024675.4 (MANE Select); coding-DNA position 2652, G replaced by C.
Protein change: p.Glu884Asp; replaces glutamic acid 884 with aspartic acid.
Molecular consequence: missense variant.
Genome position (GRCh38, 1-based): chr16:23,626,332, C>G on the plus strand (G>C on the coding strand, the complement: PALB2 is on the minus strand). VCF-style: chr16-23626332-C-G. GRCh37 (hg19) VCF-style: chr16-23637653-C-G.
Other names: short protein forms E884D.
Identifiers: ClinVar variation 830178 (VCV000830178.1), dbSNP rs1057522856, ClinGen allele CA395122117.